The following is an entry in ClinVar:

NM_030667.3(PTPRO):c.3261C>T (p.Asp1087=)

Gene: PTPRO (protein tyrosine phosphatase receptor type O; plus strand). Cytogenetic location: 12p12.3.
Variant type: single nucleotide variant.
Coding change: c.3261C>T on transcript NM_030667.3 (MANE Select); coding-DNA position 3261, C replaced by T.
Protein change: p.Asp1087=; no amino-acid change (aspartic acid 1087 retained).
Molecular consequence: synonymous variant.
Genome position (GRCh38, 1-based): chr12:15,586,902, C>T. VCF-style: chr12-15586902-C-T. GRCh37 (hg19) VCF-style: chr12-15739836-C-T.
Other names: p.Asp1087=; c.3177C>T, p.Asp1059= (NM_002848.4); c.744C>T, p.Asp248= (NM_030668.3, NM_030670.3); c.828C>T, p.Asp276= (NM_030669.3, NM_030671.3).
Identifiers: ClinVar variation 1600759 (VCV001600759.10), dbSNP rs77872564, ClinGen allele CA6467137.
Genomic context (GRCh38, chr12:15,586,902, plus strand): 5'-CATCCTAACAGTGAACTGAAAAATTAATGCTTGTTTTTGGCTTTTTTCTCTAAAGGCTGA[C>T]GAGATGCAGGATGTGATGCATTTTAACTACACTGCATGGCCTGATCATGGTGTGCCCACA-3'
Protein context (NP_109592.1, residues 1077-1097): ACRHFRINYA[Asp1087=]EMQDVMHFNY

ClinVar aggregate classification (germline): Benign/Likely benign. Review status: criteria provided, multiple submitters, no conflicts (2 of 4 stars). 3 submissions from 3 submitters: Benign (2); Likely benign (1). Last evaluated 2026-02-01.

Allele frequency attached by ClinVar (database versions not stated): ESP Exome Variant Server 0.00008; gnomAD 0.00097 and 0.00152; TOPMed 0.00159; 1000 Genomes Project 30x 0.00953; 1000 Genomes Project 0.00958.
gnomAD v4.1: 1,943 of 1,613,904 alleles (0.12%); highest among the groups gnomAD compares: East Asian, 3.7%; 26 homozygotes.

Submissions (3):

Labcorp Genetics (formerly Invitae), Labcorp
Classification: Benign. Last evaluated: 2026-02-01. Review status: criteria provided, single submitter. Criteria: Invitae Variant Classification Sherloc (09022015). Collection method: clinical testing. Allele origin: germline.

Blueprint Genetics
Classification: Likely benign. Last evaluated: 2024-11-08. Review status: criteria provided, single submitter. Criteria: ACMG Guidelines, 2015. Collection method: clinical testing. Allele origin: germline.

Mayo Clinic Laboratories, Mayo Clinic
Classification: Benign. Last evaluated: 2024-04-26. Review status: criteria provided, single submitter. Criteria: ACMG Guidelines, 2015. Collection method: clinical testing. Allele origin: germline. Observed: 3 variant alleles.
Comment: BS1, BS2, BP4, BP7